The following is an entry in ClinVar:

NM_019842.4(KCNQ5):c.602C>T (p.Pro201Leu)

Gene: KCNQ5 (potassium voltage-gated channel subfamily Q member 5; plus strand). Cytogenetic location: 6q13.
Variant type: single nucleotide variant.
Coding change: c.602C>T on transcript NM_019842.4 (MANE Select); coding-DNA position 602, C replaced by T.
Protein change: p.Pro201Leu; replaces proline 201 with leucine.
Molecular consequence: missense variant.
Genome position (GRCh38, 1-based): chr6:73,042,048, C>T. VCF-style: chr6-73042048-C-T. GRCh37 (hg19) VCF-style: chr6-73751771-C-T.
Other names: c.602C>T, p.Pro201Leu (NM_001160130.2, NM_001160132.2, NM_001160133.2 and 1 more transcripts); short protein forms P201L.
Identifiers: ClinVar variation 3667645 (VCV003667645.2).
Genomic context (GRCh38, chr6:73,042,048, plus strand): 5'-CTGCGGGTTGCTGTTGTCGATATAGAGGATGGCAAGGAAGACTGAGGTTTGCTCGAAAGC[C>T]CTTCTGTGTTATAGGTGAATATCAGAGTCTCAGATACCTGGACTATGACACCAACATTCT-3'
Protein context (NP_062816.2, residues 191-211): WQGRLRFARK[Pro201Leu]FCVIDTIVLI

ClinVar aggregate classification (germline): Uncertain significance (1 of 4 stars; one submission).

Submission:

Labcorp Genetics (formerly Invitae), Labcorp
Classification: Uncertain significance. Last evaluated: 2024-09-18. Review status: criteria provided, single submitter. Criteria: Invitae Variant Classification Sherloc (09022015). Collection method: clinical testing. Allele origin: germline.
Comment: This sequence change replaces proline, which is neutral and non-polar, with leucine, which is neutral and non-polar, at codon 201 of the KCNQ5 protein (p.Pro201Leu). This variant is not present in population databases (gnomAD no frequency). This variant has not been reported in the literature in individuals affected with KCNQ5-related conditions. Invitae Evidence Modeling of protein sequence and biophysical properties (such as structural, functional, and spatial information, amino acid conservation, physicochemical variation, residue mobility, and thermodynamic stability) has been performed for this missense variant. However, the output from this modeling did not meet the statistical confidence thresholds required to predict the impact of this variant on KCNQ5 protein function. In summary, the available evidence is currently insufficient to determine the role of this variant in disease. Therefore, it has been classified as a Variant of Uncertain Significance.